The following is an entry in ClinVar:

NM_000531.6(OTC):c.238A>G (p.Lys80Glu)

Gene: OTC (ornithine transcarbamylase; plus strand). Cytogenetic location: Xp11.4.
Variant type: single nucleotide variant.
Coding change: c.238A>G on transcript NM_000531.6 (MANE Select); coding-DNA position 238, A replaced by G.
Protein change: p.Lys80Glu; replaces lysine 80 with glutamic acid.
Molecular consequence: missense variant.
Genome position (GRCh38, 1-based): chrX:38,369,817, A>G. VCF-style: chrX-38369817-A-G. GRCh37 (hg19) VCF-style: chrX-38229070-A-G.
Other names: short protein forms K80E.
Identifiers: ClinVar variation 93219 (VCV000093219.9), dbSNP rs72554332, ClinGen allele CA221089.
Genomic context (GRCh38, chrX:38,369,817, plus strand): 5'-AAGATATATTTTAATTCTATTCTTGTCCTTGATTTATAGTATTTGCCTTTATTGCAAGGG[A>G]AGTCCTTAGGCATGATTTTTGAGAAAAGAAGTACTCGAACAAGATTGTCTACAGAAACAG-3'
Protein context (NP_000522.3, residues 70-90): KGEYLPLLQG[Lys80Glu]SLGMIFEKRS

ClinVar aggregate classification (germline): Pathogenic. Review status: criteria provided, multiple submitters, no conflicts (2 of 4 stars). 3 submissions from 3 submitters: Pathogenic (2). 1 of the submissions does not count toward it. Last evaluated 2023-07-19.

Conditions:
Ornithine carbamoyltransferase deficiency (OTCD). Also called: ORNITHINE TRANSCARBAMYLASE DEFICIENCY; OTC DEFICIENCY; Ornithine Carbamoyltransferase Deficiency Disease; ORNITHINE TRANSCARBAMYLASE DEFICIENCY, HYPERAMMONEMIA DUE TO. Identifiers: Orphanet 664, MedGen C0268542, MONDO:0010703, OMIM 311250.

Submissions (3):

Baylor Genetics
Classification: Pathogenic for Ornithine carbamoyltransferase deficiency. Last evaluated: 2023-07-19. Review status: criteria provided, single submitter. Criteria: ACMG Guidelines, 2015. Collection method: clinical testing. Allele origin: unknown.

Eurofins Ntd Llc (ga)
Classification: Pathogenic. Last evaluated: 2012-11-05. Review status: criteria provided, single submitter. Criteria: EGL Classification Definitions. Collection method: clinical testing. Allele origin: germline. Observed: 2 variant alleles, 1 heterozygote, 1 hemizygote.

GenMed Metabolism Lab
Classification: Pathogenic. Review status: no assertion criteria provided. Collection method: not provided. Allele origin: unknown. Not counted in ClinVar's aggregate classification.
ClinVar note: Converted during submission from pathogenic to Pathogenic.